The following is an entry in ClinVar:

ClinVar aggregate classification (germline): Uncertain significance (1 of 4 stars; one submission).

Conditions:
Brugada syndrome 8 (BRGDA8). Identifiers: Orphanet 130, MedGen C2751083, MONDO:0013148, OMIM 613123.

Submission:

Labcorp Genetics (formerly Invitae), Labcorp
Classification: Uncertain significance for Brugada syndrome 8. Last evaluated: 2023-12-19. Review status: criteria provided, single submitter. Criteria: Invitae Variant Classification Sherloc (09022015). Collection method: clinical testing. Allele origin: germline.
Comment: This variant, c.2022_2054del, results in the deletion of 11 amino acid(s) of the HCN4 protein (p.Arg674_Leu684del), but otherwise preserves the integrity of the reading frame. This variant is not present in population databases (gnomAD no frequency). This variant has not been reported in the literature in individuals affected with HCN4-related conditions. Experimental studies and prediction algorithms are not available or were not evaluated, and the functional significance of this variant is currently unknown. In summary, the available evidence is currently insufficient to determine the role of this variant in disease. Therefore, it has been classified as a Variant of Uncertain Significance.

NM_005477.3(HCN4):c.2022_2054del (p.Arg674_Leu684del)

Gene: HCN4 (hyperpolarization activated cyclic nucleotide gated potassium channel 4; minus strand). Cytogenetic location: 15q24.1.
Variant type: Deletion.
Coding change: c.2022_2054del on transcript NM_005477.3 (MANE Select); coding-DNA positions 2022 to 2054, 33 bases deleted.
Protein change: p.Arg674_Leu684del.
Molecular consequence: inframe deletion.
Genome position (GRCh38, 1-based): chr15:73,324,178-73,324,210, 33 bases deleted; deleting any 33 consecutive bases within chr15:73,324,178-73,324,214 gives the same sequence; the c. name uses the placement nearest the transcript's 3' end. GRCh37 (hg19): chr15:73,616,523-73,616,555.
Identifiers: ClinVar variation 2704137 (VCV002704137.3), dbSNP rs2549069468, ClinGen allele CA2697549184.